The following is an entry in ClinVar:

ClinVar aggregate classification (germline): Uncertain significance (1 of 4 stars; one submission).

Submission:

GeneDx
Classification: Uncertain significance. Last evaluated: 2019-06-17. Review status: criteria provided, single submitter. Criteria: GeneDx Variant Classification Process June 2021. Collection method: clinical testing. Allele origin: germline. Affected: yes.
Comment: Not observed in large population cohorts (Lek et al., 2016); In silico analysis, which includes protein predictors and evolutionary conservation, supports a deleterious effect; Has not been previously published as pathogenic or benign to our knowledge

NM_015570.4(AUTS2):c.3229G>T (p.Asp1077Tyr)

Gene: AUTS2 (activator of transcription and developmental regulator AUTS2; plus strand). Cytogenetic location: 7q11.22.
Variant type: single nucleotide variant.
Coding change: c.3229G>T on transcript NM_015570.4 (MANE Select); coding-DNA position 3229, G replaced by T.
Protein change: p.Asp1077Tyr; replaces aspartic acid 1077 with tyrosine.
Molecular consequence: missense variant.
Genome position (GRCh38, 1-based): chr7:70,790,445, G>T. VCF-style: chr7-70790445-G-T. GRCh37 (hg19) VCF-style: chr7-70255431-G-T.
Other names: c.3157G>T, p.Asp1053Tyr (NM_001127231.3); short protein forms D1053Y, D1077Y.
Identifiers: ClinVar variation 1302127 (VCV001302127.2), dbSNP rs1791844738, ClinGen allele CA367665752.
Genomic context (GRCh38, chr7:70,790,445, plus strand): 5'-GGCGGAGAGCGCTTCCCGTACCCTTCTTTCCACTGGGACCCCATCCGGGACCCCTTGAGG[G>T]ATCCTTACCGAGAACTTGACATTCACCGGAGAGACCCGCTGGGCAGGGACTTCCTGCTAA-3'
Protein context (NP_056385.1, residues 1067-1087): HWDPIRDPLR[Asp1077Tyr]PYRELDIHRR